The following is an entry in ClinVar:

NM_053025.4(MYLK):c.2066A>G (p.Asp689Gly)

Gene: MYLK (myosin light chain kinase; minus strand). Cytogenetic location: 3q21.1.
Variant type: single nucleotide variant.
Coding change: c.2066A>G on transcript NM_053025.4 (MANE Select); coding-DNA position 2066, A replaced by G.
Protein change: p.Asp689Gly; replaces aspartic acid 689 with glycine.
Molecular consequence: missense variant.
Genome position (GRCh38, 1-based): chr3:123,708,772, T>C on the plus strand (A>G on the coding strand, the complement: MYLK is on the minus strand). VCF-style: chr3-123708772-T-C. GRCh37 (hg19) VCF-style: chr3-123427619-T-C.
Other names: c.1859A>G, p.Asp620Gly (NM_053028.4, NM_053026.4); c.1538A>G, p.Asp513Gly (NM_001321309.2); c.2066A>G, p.Asp689Gly (NM_053027.4); short protein forms D513G, D620G, D689G.
Identifiers: ClinVar variation 1318527 (VCV001318527.4), dbSNP rs1308191051, ClinGen allele CA354234341.

ClinVar aggregate classification (germline): Uncertain significance. Review status: criteria provided, multiple submitters, no conflicts (2 of 4 stars). 3 submissions from 3 submitters: Uncertain significance (3). Last evaluated 2025-02-09.

Conditions:
Familial thoracic aortic aneurysm and aortic dissection (TAAD). Also called: Thoracic aortic aneurysms and dissections. Identifiers: Orphanet 91387, MedGen C4707243, MONDO:0019625.

Allele frequency attached by ClinVar (database versions not stated): TOPMed below 0.00001; gnomAD 0.00001.
gnomAD v4.1: 1 of 1,614,048 alleles (0.000062%); highest among the groups gnomAD compares: Non-Finnish European, 0.000085%; no homozygotes.

Submissions (3):

Ambry Genetics
Classification: Uncertain significance for Familial thoracic aortic aneurysm and aortic dissection. Last evaluated: 2025-02-09. Review status: criteria provided, single submitter. Criteria: Ambry Variant Classification Scheme 2023. Collection method: clinical testing. Allele origin: germline.
Comment: The p.D689G variant (also known as c.2066A>G), located in coding exon 12 of the MYLK gene, results from an A to G substitution at nucleotide position 2066. The aspartic acid at codon 689 is replaced by glycine, an amino acid with similar properties. This amino acid position is conserved. In addition, this alteration is predicted to be deleterious by in silico analysis. Based on the available evidence, the clinical significance of this variant remains unclear.

AiLife Diagnostics
Classification: Uncertain significance. Last evaluated: 2022-01-03. Review status: criteria provided, single submitter. Criteria: ACMG Guidelines, 2015. Collection method: clinical testing. Allele origin: germline. Affected: yes. Observed: 1 variant allele.

GeneDx
Classification: Uncertain significance. Last evaluated: 2020-06-22. Review status: criteria provided, single submitter. Criteria: GeneDx Variant Classification Process June 2021. Collection method: clinical testing. Allele origin: germline. Affected: yes.
Comment: Has not been previously published as pathogenic or benign to our knowledge; Not observed at a significant frequency in large population cohorts (Lek et al., 2016); In silico analysis supports that this missense variant has a deleterious effect on protein structure/function